The following is an entry in ClinVar:

NM_182919.4(TICAM1):c.1049C>A (p.Pro350Gln)

Gene: TICAM1 (TIR domain containing adaptor molecule 1; minus strand). Cytogenetic location: 19p13.3.
Variant type: single nucleotide variant.
Coding change: c.1049C>A on transcript NM_182919.4 (MANE Select); coding-DNA position 1049, C replaced by A.
Protein change: p.Pro350Gln; replaces proline 350 with glutamine.
Molecular consequence: missense variant.
Genome position (GRCh38, 1-based): chr19:4,817,329, G>T on the plus strand (C>A on the coding strand, the complement: TICAM1 is on the minus strand). VCF-style: chr19-4817329-G-T. GRCh37 (hg19) VCF-style: chr19-4817341-G-T.
Other names: short protein forms P350Q.
Identifiers: ClinVar variation 862127 (VCV000862127.10), dbSNP rs769618186, ClinGen allele CA9105219.
Genomic context (GRCh38, chr19:4,817,329, plus strand): 5'-GTAGATGAAGGAGGAGGAGGAGGAGGAGGAGGGGATGTTTCTGGGGTGGTGGGAGTAGGT[G>T]GGCACGGCTTGGTATTTGGAGAGGTGGTATCTTCTACAGAAAGTTGGAGTGGCGTCTGGT-3'
Protein context (NP_891549.1, residues 340-360): DTTSPNTKPC[Pro350Gln]PTPTTPETSP

ClinVar aggregate classification (germline): Uncertain significance (1 of 4 stars; one submission).

Conditions:
Encephalopathy, acute, infection-induced (herpes-specific), susceptibility to, 6. Also called: Herpes simplex encephalitis, susceptibility to, 4. Identifiers: Orphanet 1930, MedGen C3553869, MONDO:0013921, OMIM 614850.

Allele frequency attached by ClinVar (database versions not stated): gnomAD exomes 0.00001; ExAC 0.00002.

Submission:

Labcorp Genetics (formerly Invitae), Labcorp
Classification: Uncertain significance for Encephalopathy, acute, infection-induced (herpes-specific), susceptibility to, 6. Last evaluated: 2020-02-22. Review status: criteria provided, single submitter. Criteria: Invitae Variant Classification Sherloc (09022015). Collection method: clinical testing. Allele origin: germline.
Comment: In summary, the available evidence is currently insufficient to determine the role of this variant in disease. Therefore, it has been classified as a Variant of Uncertain Significance. Algorithms developed to predict the effect of missense changes on protein structure and function are either unavailable or do not agree on the potential impact of this missense change (SIFT: "Tolerated"; PolyPhen-2: "Possibly Damaging"; Align-GVGD: "Class C0"). This variant has not been reported in the literature in individuals with TICAM1-related conditions. This variant is present in population databases (rs769618186, ExAC 0.02%). This sequence change replaces proline with glutamine at codon 350 of the TICAM1 protein (p.Pro350Gln). The proline residue is weakly conserved and there is a moderate physicochemical difference between proline and glutamine.